The following is an entry in ClinVar:

ClinVar aggregate classification (germline): Conflicting classifications of pathogenicity. Review status: criteria provided, conflicting classifications (1 of 4 stars). 2 submissions from 2 submitters: Uncertain significance (1); Likely benign (1). Last evaluated 2025-05-19.

Conditions:
Inborn genetic diseases. Identifiers: MedGen C0950123, MeSH D030342.

gnomAD v4.1: 5 of 976,777 alleles (0.00051%); highest among the groups gnomAD compares: East Asian, 0.0042%; no homozygotes.

Submissions (2):

Ambry Genetics
Classification: Likely benign for Inborn genetic diseases. Last evaluated: 2025-05-19. Review status: criteria provided, single submitter. Criteria: Ambry Variant Classification Scheme 2023. Collection method: clinical testing. Allele origin: germline.

Labcorp Genetics (formerly Invitae), Labcorp
Classification: Uncertain significance. Last evaluated: 2022-07-06. Review status: criteria provided, single submitter. Criteria: Invitae Variant Classification Sherloc (09022015). Collection method: clinical testing. Allele origin: germline.
Comment: In summary, the available evidence is currently insufficient to determine the role of this variant in disease. Therefore, it has been classified as a Variant of Uncertain Significance. Algorithms developed to predict the effect of missense changes on protein structure and function output the following: SIFT: "Tolerated"; PolyPhen-2: "Benign"; Align-GVGD: "Class C0". The alanine amino acid residue is found in multiple mammalian species, which suggests that this missense change does not adversely affect protein function. ClinVar contains an entry for this variant (Variation ID: 1407610). This variant has not been reported in the literature in individuals affected with GPR143-related conditions. The frequency data for this variant in the population databases is considered unreliable, as metrics indicate insufficient coverage at this position in the gnomAD database. This sequence change replaces serine, which is neutral and polar, with alanine, which is neutral and non-polar, at codon 59 of the GPR143 protein (p.Ser59Ala).

NM_000273.3(GPR143):c.175T>G (p.Ser59Ala)

Gene: GPR143 (G protein-coupled receptor 143; minus strand). Cytogenetic location: Xp22.2.
Variant type: single nucleotide variant.
Coding change: c.175T>G on transcript NM_000273.3 (MANE Select); coding-DNA position 175, T replaced by G.
Protein change: p.Ser59Ala; replaces serine 59 with alanine.
Molecular consequence: missense variant.
Genome position (GRCh38, 1-based): chrX:9,765,643, A>C on the plus strand (T>G on the coding strand, the complement: GPR143 is on the minus strand). VCF-style: chrX-9765643-A-C. GRCh37 (hg19) VCF-style: chrX-9733683-A-C.
Other names: c.175T>G (NM_000273.2); short protein forms S59A.
Identifiers: ClinVar variation 1407610 (VCV001407610.9), dbSNP rs925889440, ClinGen allele CA412000568.
Genomic context (GRCh38, chrX:9,765,643, plus strand): 5'-GGTCGCAGGCAGCGGCAGCGCGCAGGATGCGGACCGAGGCCGGCGGGGACGTCGCGGGGG[A>C]CCCGGGGCCCGCGGGCCGGCGGCCGGGCAGCAGCTGCAGAAGGCCCAGCGCCAAGCGGAG-3'
Protein context (NP_000264.2, residues 49-69): LPGRRPAGPG[Ser59Ala]PATSPPASVR